The following is an entry in ClinVar:

NM_005228.5(EGFR):c.2279T>C (p.Leu760Pro)

Gene: EGFR (epidermal growth factor receptor; plus strand). Cytogenetic location: 7p11.2.
Variant type: single nucleotide variant.
Coding change: c.2279T>C on transcript NM_005228.5 (MANE Select); coding-DNA position 2279, T replaced by C.
Protein change: p.Leu760Pro; replaces leucine 760 with proline.
Molecular consequence: missense variant.
Genome position (GRCh38, 1-based): chr7:55,174,816, T>C. VCF-style: chr7-55174816-T-C. GRCh37 (hg19) VCF-style: chr7-55242509-T-C.
Other names: c.2144T>C, p.Leu715Pro (NM_001346897.2, NM_001346899.2); c.2279T>C, p.Leu760Pro (NM_001346898.2); c.2120T>C, p.Leu707Pro (NM_001346900.2); c.1478T>C, p.Leu493Pro (NM_001346941.2); short protein forms L493P, L715P, L760P, L707P.
Identifiers: ClinVar variation 4842903 (VCV004842903.1).

ClinVar aggregate classification (germline): Uncertain significance (1 of 4 stars; one submission).

Conditions:
Hereditary cancer-predisposing syndrome. Also called: Neoplastic Syndromes, Hereditary; Tumor predisposition; Hereditary Cancer Syndrome; Hereditary neoplastic syndrome. Identifiers: Orphanet 140162, MedGen C0027672, MeSH D009386, MONDO:0015356.

Submission:

Ambry Genetics
Classification: Uncertain significance for Hereditary cancer-predisposing syndrome. Last evaluated: 2026-03-02. Review status: criteria provided, single submitter. Criteria: Ambry Variant Classification Scheme 2023. Collection method: clinical testing. Allele origin: germline.
Comment: The p.L760P variant (also known as c.2279T>C), located in coding exon 19 of the EGFR gene, results from a T to C substitution at nucleotide position 2279. The leucine at codon 760 is replaced by proline, an amino acid with similar properties. This amino acid position is well conserved in available vertebrate species. In addition, this alteration is predicted to be deleterious by in silico analysis. Based on the available evidence, the clinical significance of this variant remains unclear.